The following is an entry in ClinVar:

ClinVar aggregate classification (germline): Uncertain significance (1 of 4 stars; one submission).

Submission:

Ambry Genetics
Classification: Uncertain significance. Last evaluated: 2026-03-23. Review status: criteria provided, single submitter. Criteria: Ambry Variant Classification Scheme 2023. Collection method: clinical testing. Allele origin: germline.
Comment: The p.L313H variant (also known as c.938T>A), located in coding exon 7 of the RINT1 gene, results from a T to A substitution at nucleotide position 938. The leucine at codon 313 is replaced by histidine, an amino acid with similar properties. This amino acid position is conserved. In addition, the in silico prediction for this alteration is inconclusive. Based on the available evidence, the clinical significance of this variant remains unclear.

NM_021930.6(RINT1):c.938T>A (p.Leu313His)

Gene: RINT1 (RAD50 interactor 1; plus strand). Cytogenetic location: 7q22.3.
Variant type: single nucleotide variant.
Coding change: c.938T>A on transcript NM_021930.6 (MANE Select); coding-DNA position 938, T replaced by A.
Protein change: p.Leu313His; replaces leucine 313 with histidine.
Molecular consequence: missense variant. On other transcripts: 5 prime UTR variant (1), non-coding transcript variant (1), intron variant (1).
Genome position (GRCh38, 1-based): chr7:105,548,652, T>A. VCF-style: chr7-105548652-T-A. GRCh37 (hg19) VCF-style: chr7-105189099-T-A.
Other names: c.704T>A, p.Leu235His (NM_001346599.2); c.-82T>A (NM_001346600.2); c.14T>A, p.Leu5His (NM_001346601.2); c.-27-1403T>A (NM_001346603.2); short protein forms L235H, L313H, L5H.
Identifiers: ClinVar variation 4863318 (VCV004863318.1).